The following is an entry in ClinVar:

ClinVar aggregate classification (germline): Pathogenic (1 of 4 stars; one submission).

Conditions:
Hereditary breast ovarian cancer syndrome. Also called: Hereditary breast and/or ovarian cancer syndrome; Hereditary breast and ovarian cancer syndrome (HBOC); Breast and ovarian cancer; Hereditary breast and ovarian cancer; BRCA1- and BRCA2-Associated Hereditary Breast and Ovarian Cancer; Hereditary breast and ovarian cancer syndrome. Identifiers: Orphanet 145, MedGen C0677776, MeSH D061325, MONDO:0003582. Disease mechanism: loss of function.

Submission:

Labcorp Genetics (formerly Invitae), Labcorp
Classification: Pathogenic for Hereditary breast and ovarian cancer syndrome. Last evaluated: 2019-09-18. Review status: criteria provided, single submitter. Criteria: Invitae Variant Classification Sherloc (09022015). Collection method: clinical testing. Allele origin: germline.
Comment: This variant is a gross deletion of the genomic region encompassing exons 22-23 of the BRCA1 gene. The 5' boundary is likely confined to intron 21. The 3' end of this event is unknown as it extends through the termination codon beyond the assayed region for this gene and may encompass additional genes. While this deletion is not anticipated to result in nonsense mediated decay, it is expected to create a truncated protein product or disrupt mRNA translation. Deletions encompassing exons 22-23, which in the literature are known as deletions of exons 23-24, have been reported in several individuals and families affected with breast and/or ovarian cancer (PMID: 16715518, 16793929, 17333342, 18431737, 24825132). In one of these families the deletion was shown to segregate with the disease in four affected individuals (PMID: 16793929). For these reasons, this variant has been classified as Pathogenic.

Literature cited by the submitters: PubMed 24825132; PubMed 18431737; PubMed 17333342; PubMed 16793929; PubMed 16715518.

NC_000017.11:g.(?_43044336)_(43047728_?)del

Gene: BRCA1 (BRCA1 DNA repair associated; minus strand). Cytogenetic location: 17q21.31.
Variant type: Deletion.
Identifiers: ClinVar variation 831890 (VCV000831890.1).